The following is an entry in ClinVar:

ClinVar aggregate classification (germline): Uncertain significance (1 of 4 stars; one submission).

Allele frequency attached by ClinVar (database versions not stated): ExAC 0.00001; gnomAD 0.00001; gnomAD exomes 0.00001; TOPMed 0.00003; ESP Exome Variant Server 0.00008.
gnomAD v4.1: 9 of 1,600,968 alleles (0.00056%); highest among the groups gnomAD compares: Non-Finnish European, 0.00068%; no homozygotes.

Submission:

Labcorp Genetics (formerly Invitae), Labcorp
Classification: Uncertain significance. Last evaluated: 2025-05-05. Review status: criteria provided, single submitter. Criteria: Invitae Variant Classification Sherloc (09022015). Collection method: clinical testing. Allele origin: germline.
Comment: This sequence change replaces proline, which is neutral and non-polar, with arginine, which is basic and polar, at codon 68 of the ATOH7 protein (p.Pro68Arg). This variant is present in population databases (rs370130944, gnomAD 0.002%). This variant has not been reported in the literature in individuals affected with ATOH7-related conditions. ClinVar contains an entry for this variant (Variation ID: 1022908). An algorithm developed to predict the effect of missense changes on protein structure and function (PolyPhen-2) suggests that this variant is likely to be disruptive. In summary, the available evidence is currently insufficient to determine the role of this variant in disease. Therefore, it has been classified as a Variant of Uncertain Significance.

NM_145178.4(ATOH7):c.203C>G (p.Pro68Arg)

Gene: ATOH7 (atonal bHLH transcription factor 7; minus strand). Cytogenetic location: 10q21.3.
Variant type: single nucleotide variant.
Coding change: c.203C>G on transcript NM_145178.4 (MANE Select); coding-DNA position 203, C replaced by G.
Protein change: p.Pro68Arg; replaces proline 68 with arginine.
Molecular consequence: missense variant.
Genome position (GRCh38, 1-based): chr10:68,231,475, G>C on the plus strand (C>G on the coding strand, the complement: ATOH7 is on the minus strand). VCF-style: chr10-68231475-G-C. GRCh37 (hg19) VCF-style: chr10-69991232-G-C.
Other names: short protein forms P68R.
Identifiers: ClinVar variation 1022908 (VCV001022908.6), dbSNP rs370130944, ClinGen allele CA5523365.